The following is an entry in ClinVar:

NM_001349253.2(SCN11A):c.2474G>A (p.Gly825Glu)

Gene: SCN11A (sodium voltage-gated channel alpha subunit 11; minus strand). Cytogenetic location: 3p22.2.
Variant type: single nucleotide variant.
Coding change: c.2474G>A on transcript NM_001349253.2 (MANE Select); coding-DNA position 2474, G replaced by A.
Protein change: p.Gly825Glu; replaces glycine 825 with glutamic acid.
Molecular consequence: missense variant.
Genome position (GRCh38, 1-based): chr3:38,894,894, C>T on the plus strand (G>A on the coding strand, the complement: SCN11A is on the minus strand). VCF-style: chr3-38894894-C-T. GRCh37 (hg19) VCF-style: chr3-38936385-C-T.
Other names: c.2474G>A, p.Gly825Glu (NM_014139.3); short protein forms G825E.
Identifiers: ClinVar variation 661143 (VCV000661143.6), dbSNP rs1192118831, ClinGen allele CA352175063.

ClinVar aggregate classification (germline): Uncertain significance. Review status: criteria provided, multiple submitters, no conflicts (2 of 4 stars). 2 submissions from 2 submitters: Uncertain significance (2). Last evaluated 2025-01-03.

Conditions:
Hereditary sensory and autonomic neuropathy type 7. Also called: Neuropathy, hereditary sensory and autonomic, type VII; HSAN VII. Identifiers: Orphanet 391397, MedGen C3809882, MONDO:0014244, OMIM 615548.
Familial episodic pain syndrome with predominantly lower limb involvement. Also called: Episodic pain syndrome, familial, 3. Identifiers: Orphanet 391384, Orphanet 391392, MedGen C3809899, MONDO:0014247, OMIM 615552.
Inborn genetic diseases. Identifiers: MedGen C0950123, MeSH D030342.

Allele frequency attached by ClinVar (database versions not stated): gnomAD 0.00001; gnomAD exomes 0.00001 and 0.00002; TOPMed 0.00002.
gnomAD v4.1: 7 of 1,614,036 alleles (0.00043%); highest among the groups gnomAD compares: Admixed American, 0.0067%; no homozygotes.

Submissions (2):

Ambry Genetics
Classification: Uncertain significance for Inborn genetic diseases. Last evaluated: 2025-01-03. Review status: criteria provided, single submitter. Criteria: Ambry Variant Classification Scheme 2023. Collection method: clinical testing. Allele origin: germline.

Labcorp Genetics (formerly Invitae), Labcorp
Classification: Uncertain significance for Familial episodic pain syndrome with predominantly lower limb involvement; Hereditary sensory and autonomic neuropathy type 7. Last evaluated: 2022-08-16. Review status: criteria provided, single submitter. Criteria: Invitae Variant Classification Sherloc (09022015). Collection method: clinical testing. Allele origin: germline.
Comment: Algorithms developed to predict the effect of missense changes on protein structure and function output the following: SIFT: "Deleterious"; PolyPhen-2: "Benign"; Align-GVGD: "Class C65". The glutamic acid amino acid residue is found in multiple mammalian species, which suggests that this missense change does not adversely affect protein function. ClinVar contains an entry for this variant (Variation ID: 661143). In summary, the available evidence is currently insufficient to determine the role of this variant in disease. Therefore, it has been classified as a Variant of Uncertain Significance. Algorithms developed to predict the effect of sequence changes on RNA splicing suggest that this variant may create or strengthen a splice site. This variant has not been reported in the literature in individuals affected with SCN11A-related conditions. This variant is present in population databases (no rsID available, gnomAD 0.009%). This sequence change replaces glycine, which is neutral and non-polar, with glutamic acid, which is acidic and polar, at codon 825 of the SCN11A protein (p.Gly825Glu).